The following is an entry in ClinVar:

ClinVar aggregate classification (germline): Uncertain significance. Review status: criteria provided, multiple submitters, no conflicts (2 of 4 stars). 3 submissions from 3 submitters: Uncertain significance (3). Last evaluated 2025-01-08.

Conditions:
Cardiovascular phenotype. Identifiers: MedGen CN230736.
Legius syndrome. Identifiers: Orphanet 137605, MedGen C1969623, MONDO:0012669, OMIM 611431. Disease mechanism: loss of function.
Noonan syndrome and Noonan-related syndrome. Identifiers: Orphanet 98733, MedGen C5681679, MONDO:0020297.

Submissions (3):

Ambry Genetics
Classification: Uncertain significance for Cardiovascular phenotype. Last evaluated: 2025-01-08. Review status: criteria provided, single submitter. Criteria: Ambry Variant Classification Scheme 2023. Collection method: clinical testing. Allele origin: germline.
Comment: The p.S28G variant (also known as c.82A>G), located in coding exon 2 of the SPRED1 gene, results from an A to G substitution at nucleotide position 82. The serine at codon 28 is replaced by glycine, an amino acid with similar properties. This amino acid position is conserved. In addition, the in silico prediction for this alteration is inconclusive. Based on the available evidence, the clinical significance of this variant remains unclear.

Labcorp Genetics (formerly Invitae), Labcorp
Classification: Uncertain significance for Legius syndrome. Last evaluated: 2023-03-28. Review status: criteria provided, single submitter. Criteria: Invitae Variant Classification Sherloc (09022015). Collection method: clinical testing. Allele origin: germline.
Comment: ClinVar contains an entry for this variant (Variation ID: 1334305). This sequence change replaces serine, which is neutral and polar, with glycine, which is neutral and non-polar, at codon 28 of the SPRED1 protein (p.Ser28Gly). This variant is not present in population databases (gnomAD no frequency). This variant has not been reported in the literature in individuals affected with SPRED1-related conditions. Advanced modeling of protein sequence and biophysical properties (such as structural, functional, and spatial information, amino acid conservation, physicochemical variation, residue mobility, and thermodynamic stability) performed at Invitae indicates that this missense variant is expected to disrupt SPRED1 protein function. In summary, the available evidence is currently insufficient to determine the role of this variant in disease. Therefore, it has been classified as a Variant of Uncertain Significance.

Genome Diagnostics Laboratory, The Hospital for Sick Children
Classification: Uncertain significance for Noonan syndrome and Noonan-related syndrome. Last evaluated: 2021-01-08. Review status: criteria provided, single submitter. Criteria: ACMG Guidelines, 2015. Collection method: clinical testing. Allele origin: germline.

NM_152594.3(SPRED1):c.82A>G (p.Ser28Gly)

Gene: SPRED1 (sprouty related EVH1 domain containing 1; plus strand). Cytogenetic location: 15q14.
Variant type: single nucleotide variant.
Coding change: c.82A>G on transcript NM_152594.3 (MANE Select); coding-DNA position 82, A replaced by G.
Protein change: p.Ser28Gly; replaces serine 28 with glycine.
Molecular consequence: missense variant.
Genome position (GRCh38, 1-based): chr15:38,299,422, A>G. VCF-style: chr15-38299422-A-G. GRCh37 (hg19) VCF-style: chr15-38591623-A-G.
Other names: short protein forms S28G.
Identifiers: ClinVar variation 1334305 (VCV001334305.7), dbSNP rs2140978422, ClinGen allele CA391933964.
Genomic context (GRCh38, chr15:38,299,422, plus strand): 5'-ATCTATTTTAGTAATAGTTATGCACGAGTGCGAGCTGTGGTGATGACCCGAGATGACTCA[A>G]GTGGTGGATGGTTACCACTTGGAGGGAGTGGACTAAGCAGCGTCACTGTCTTCAAAGTCC-3'
Protein context (NP_689807.1, residues 18-38): RAVVMTRDDS[Ser28Gly]GGWLPLGGSG